The following is an entry in ClinVar:

ClinVar aggregate classification (germline): Uncertain significance (1 of 4 stars; one submission).

Conditions:
Spastic paraplegia. Identifiers: MedGen C0037772, HP:0001258.

Allele frequency attached by ClinVar (database versions not stated): ESP Exome Variant Server 0.00008.

Submission:

Labcorp Genetics (formerly Invitae), Labcorp
Classification: Uncertain significance for Spastic paraplegia. Last evaluated: 2023-06-14. Review status: criteria provided, single submitter. Criteria: Invitae Variant Classification Sherloc (09022015). Collection method: clinical testing. Allele origin: germline.
Comment: This variant has not been reported in the literature in individuals affected with KIF5A-related conditions. In summary, the available evidence is currently insufficient to determine the role of this variant in disease. Therefore, it has been classified as a Variant of Uncertain Significance. Advanced modeling of protein sequence and biophysical properties (such as structural, functional, and spatial information, amino acid conservation, physicochemical variation, residue mobility, and thermodynamic stability) has been performed at Invitae for this missense variant, however the output from this modeling did not meet the statistical confidence thresholds required to predict the impact of this variant on KIF5A protein function. This variant is not present in population databases (gnomAD no frequency). This sequence change replaces arginine, which is basic and polar, with glycine, which is neutral and non-polar, at codon 617 of the KIF5A protein (p.Arg617Gly).

NM_004984.4(KIF5A):c.1849C>G (p.Arg617Gly)

Gene: KIF5A (kinesin family member 5A; plus strand). Cytogenetic location: 12q13.3.
Variant type: single nucleotide variant.
Coding change: c.1849C>G on transcript NM_004984.4 (MANE Select); coding-DNA position 1849, C replaced by G.
Protein change: p.Arg617Gly; replaces arginine 617 with glycine.
Molecular consequence: missense variant.
Genome position (GRCh38, 1-based): chr12:57,575,216, C>G. VCF-style: chr12-57575216-C-G. GRCh37 (hg19) VCF-style: chr12-57968999-C-G.
Other names: c.1582C>G, p.Arg528Gly (NM_001354705.2); short protein forms R528G, R617G.
Identifiers: ClinVar variation 3014071 (VCV003014071.3), dbSNP rs202045039, ClinGen allele CA237786655.
Genomic context (GRCh38, chr12:57,575,216, plus strand): 5'-GAAGTCAAGTCTGTGGTCAAGCGGTGCCGGCAGCTGGAGAACCTCCAGGTGGAGTGTCAC[C>G]GCAAGATGGAAGTGACCGGGCGGGAGCTCTCATCCTGCCAGCTCCTCATCTCTCAGGTGA-3'
Protein context (NP_004975.2, residues 607-627): QLENLQVECH[Arg617Gly]KMEVTGRELS